The following is an entry in ClinVar:

ClinVar aggregate classification (germline): Uncertain significance. Review status: criteria provided, multiple submitters, no conflicts (2 of 4 stars). 3 submissions from 3 submitters: Uncertain significance (3). Last evaluated 2024-04-05.

Conditions:
Fraser syndrome 1 (FRASRS1). Also called: CRYPTOPHTHALMOS WITH OTHER MALFORMATIONS. Identifiers: Orphanet 2052, MedGen C4551480, MONDO:0054737, OMIM 219000.

Allele frequency attached by ClinVar (database versions not stated): ExAC 0.00003; gnomAD exomes 0.00005 and 0.00014; ESP Exome Variant Server 0.00008; TOPMed 0.00008; gnomAD 0.00013.
gnomAD v4.1: 221 of 1,612,118 alleles (0.014%); highest among the groups gnomAD compares: Non-Finnish European, 0.017%; no homozygotes.

Submissions (3):

Fulgent Genetics
Classification: Uncertain significance for Fraser syndrome 1. Last evaluated: 2024-04-05. Review status: criteria provided, single submitter. Criteria: ACMG Guidelines, 2015. Collection method: clinical testing. Allele origin: germline.

Women's Health and Genetics/Laboratory Corporation of America, LabCorp
Classification: Uncertain significance. Last evaluated: 2023-02-15. Review status: criteria provided, single submitter. Criteria: LabCorp Variant Classification Summary - May 2015. Collection method: clinical testing. Allele origin: germline.
Comment: Variant summary: FRAS1 c.5039G>A (p.Arg1680Gln) results in a conservative amino acid change in the encoded protein sequence. Five of five in-silico tools predict a benign effect of the variant on protein function. The variant allele was found at a frequency of 5.3e-05 in 246140 control chromosomes. This frequency is not significantly higher than estimated for a pathogenic variant in FRAS1 causing Cryptophthalmos Syndrome (5.3e-05 vs 0.0018), allowing no conclusion about variant significance. To our knowledge, no occurrence of c.5039G>A in individuals affected with Cryptophthalmos Syndrome and no experimental evidence demonstrating its impact on protein function have been reported. Two clinical diagnostic laboratories have submitted clinical-significance assessments for this variant to ClinVar after 2014 without evidence for independent evaluation. All laboratories classified the variant as uncertain significance (n=2). Based on the evidence outlined above, the variant was classified as uncertain significance.

Illumina Laboratory Services, Illumina
Classification: Uncertain significance for Fraser syndrome 1. Last evaluated: 2018-01-13. Review status: criteria provided, single submitter. Criteria: ICSL Variant Classification Criteria 13 December 2019. Collection method: clinical testing. Allele origin: germline.

NM_025074.7(FRAS1):c.5039G>A (p.Arg1680Gln)

Gene: FRAS1 (Fraser extracellular matrix complex subunit 1; plus strand). Cytogenetic location: 4q21.21.
Variant type: single nucleotide variant.
Coding change: c.5039G>A on transcript NM_025074.7 (MANE Select); coding-DNA position 5039, G replaced by A.
Protein change: p.Arg1680Gln; replaces arginine 1680 with glutamine.
Molecular consequence: missense variant.
Genome position (GRCh38, 1-based): chr4:78,432,426, G>A. VCF-style: chr4-78432426-G-A. GRCh37 (hg19) VCF-style: chr4-79353580-G-A.
Other names: c.5039G>A, p.Arg1680Gln (NM_001166133.2); short protein forms R1680Q.
Identifiers: ClinVar variation 349722 (VCV000349722.8), dbSNP rs201110914, ClinGen allele CA2977410.